The following is an entry in ClinVar:

NM_007294.4(BRCA1):c.2644T>A (p.Cys882Ser)

Gene: BRCA1 (BRCA1 DNA repair associated; minus strand). Cytogenetic location: 17q21.31.
Variant type: single nucleotide variant.
Coding change: c.2644T>A on transcript NM_007294.4 (MANE Select); coding-DNA position 2644, T replaced by A.
Protein change: p.Cys882Ser; replaces cysteine 882 with serine.
Molecular consequence: missense variant. On other transcripts: intron variant (137).
Genome position (GRCh38, 1-based): chr17:43,092,887, A>T on the plus strand (T>A on the coding strand, the complement: BRCA1 is on the minus strand). VCF-style: chr17-43092887-A-T. GRCh37 (hg19) VCF-style: chr17-41244904-A-T.
Other names: c.2431T>A, p.Cys811Ser (NM_001407571.1, NM_001407853.1, NM_001407894.1 and 9 more transcripts); c.2644T>A, p.Cys882Ser (NM_001407581.1, NM_001407582.1, NM_001407583.1 and 30 more transcripts); c.2641T>A, p.Cys881Ser (NM_001407587.1, NM_001407590.1, NM_001407591.1 and 22 more transcripts); c.2635T>A, p.Cys879Ser (NM_001407646.1, NM_001407647.1); c.2521T>A, p.Cys841Ser (NM_001407648.1, NM_001407664.1, NM_001407665.1 and 19 more transcripts); c.2518T>A, p.Cys840Ser (NM_001407649.1, NM_001407670.1, NM_001407685.1 and 11 more transcripts); c.2563T>A, p.Cys855Ser (NM_001407662.1, NM_001407659.1, NM_001407660.1 and 1 more transcripts); c.2566T>A, p.Cys856Ser (NM_001407663.1, NM_001407653.1, NM_001407654.1 and 4 more transcripts); and 41 more; short protein forms C882S, C835S, C714S, C793S, C811S, C812S, C814S, C815S.
Identifiers: ClinVar variation 245978 (VCV000245978.29), dbSNP rs184374817, ClinGen allele CA058394.

ClinVar aggregate classification (germline): Conflicting classifications of pathogenicity. Review status: criteria provided, conflicting classifications (1 of 4 stars). 8 submissions from 8 submitters: Uncertain significance (7); Likely benign (1). Last evaluated 2026-01-11.

Conditions:
Hereditary cancer-predisposing syndrome. Also called: Hereditary Cancer Syndrome; Neoplastic Syndromes, Hereditary; Hereditary neoplastic syndrome; Tumor predisposition. Identifiers: Orphanet 140162, MedGen C0027672, MeSH D009386, MONDO:0015356.
Hereditary breast ovarian cancer syndrome. Also called: Hereditary breast and ovarian cancer syndrome (HBOC); Breast and ovarian cancer; Hereditary breast and ovarian cancer syndrome; Hereditary breast and ovarian cancer; BRCA1- and BRCA2-Associated Hereditary Breast and Ovarian Cancer; Hereditary breast and/or ovarian cancer syndrome. Identifiers: Orphanet 145, MedGen C0677776, MeSH D061325, MONDO:0003582. Disease mechanism: loss of function.
Breast-ovarian cancer, familial, susceptibility to, 1 (BROVCA1). Also called: BRCA1 Hereditary Breast and Ovarian Cancer; OVARIAN CANCER, SUSCEPTIBILITY TO. Identifiers: Orphanet 145, MedGen C2676676, MONDO:0011450, OMIM 604370. Disease mechanism: loss of function.

Allele frequency attached by ClinVar (database versions not stated): TOPMed below 0.00001; 1000 Genomes Project 30x 0.00016.
gnomAD v4.1: 1 of 1,613,928 alleles (0.000062%); highest among the groups gnomAD compares: Admixed American, 0.0017%; no homozygotes.

Submissions (8):

Labcorp Genetics (formerly Invitae), Labcorp
Classification: Uncertain significance for Hereditary breast ovarian cancer syndrome. Last evaluated: 2026-01-11. Review status: criteria provided, single submitter. Criteria: Invitae Variant Classification Sherloc (09022015). Collection method: clinical testing. Allele origin: germline.
Comment: This sequence change replaces cysteine, which is neutral and slightly polar, with serine, which is neutral and polar, at codon 882 of the BRCA1 protein (p.Cys882Ser). This variant is present in population databases (rs184374817, gnomAD 0.003%). This variant has not been reported in the literature in individuals affected with BRCA1-related conditions. ClinVar contains an entry for this variant (Variation ID: 245978). Invitae Evidence Modeling of protein sequence and biophysical properties (such as structural, functional, and spatial information, amino acid conservation, physicochemical variation, residue mobility, and thermodynamic stability) indicates that this missense variant is not expected to disrupt BRCA1 protein function with a negative predictive value of 80%. In summary, the available evidence is currently insufficient to determine the role of this variant in disease. Therefore, it has been classified as a Variant of Uncertain Significance.

Color Diagnostics, LLC DBA Color Health
Classification: Uncertain significance for Hereditary cancer-predisposing syndrome. Last evaluated: 2025-08-04. Review status: criteria provided, single submitter. Criteria: ACMG Guidelines, 2015. Collection method: clinical testing. Allele origin: germline.
Comment: This missense variant replaces cysteine with serine at codon 882 of the BRCA1 protein. Computational prediction suggests that this variant may not impact protein structure and function. To our knowledge, functional studies have not been reported for this variant. A multifactorial analysis has reached a combined likelihood ratio (LR) of 5.392 based on reported LR for co-occurrence with a pathogenic variant and personal and family history for 1 carrier (PMID: 31853058). This variant has not been identified in the general population by the Genome Aggregation Database (gnomAD). The available evidence is insufficient to determine the role of this variant in disease conclusively. Therefore, this variant is classified as a Variant of Uncertain Significance.

Quest Diagnostics Nichols Institute San Juan Capistrano
Classification: Uncertain significance. Last evaluated: 2024-11-05. Review status: criteria provided, single submitter. Criteria: Quest Diagnostics criteria. Collection method: clinical testing. Allele origin: unknown.
Comment: The BRCA1 c.2644T>A (p.Cys882Ser) variant has been described to be located in a region of the BRCA1 gene that is tolerant to missense sequence changes (PMID: 31911673 (2020)). To the best of our knowledge, this variant has not been reported in individuals with BRCA1-related disorders in the published literature. The frequency of this variant in the general population, 0.0000066 (1/152186 chromosomes (Genome Aggregation Database)), is uninformative in the assessment of its pathogenicity. Analysis of this variant using bioinformatics tools for the prediction of the effect of amino acid changes on protein structure and function yielded conflicting predictions that this variant is benign or damaging. Based on the available information, we are unable to determine the clinical significance of this variant.

Ambry Genetics
Classification: Uncertain significance for Hereditary cancer-predisposing syndrome. Last evaluated: 2023-08-06. Review status: criteria provided, single submitter. Criteria: Ambry Variant Classification Scheme 2023. Collection method: clinical testing. Allele origin: germline.
Comment: The p.C882S variant (also known as c.2644T>A), located in coding exon 9 of the BRCA1 gene, results from a T to A substitution at nucleotide position 2644. The cysteine at codon 882 is replaced by serine, an amino acid with dissimilar properties. This amino acid position is not well conserved in available vertebrate species. In addition, the in silico prediction for this alteration is inconclusive. Since supporting evidence is limited at this time, the clinical significance of this alteration remains unclear.

All of Us Research Program, National Institutes of Health
Classification: Uncertain significance for Breast-ovarian cancer, familial, susceptibility to, 1. Last evaluated: 2023-07-19. Review status: criteria provided, single submitter. Criteria: ACMG Guidelines, 2015. Collection method: clinical testing. Allele origin: germline. Inheritance: Autosomal dominant inheritance. Observed: 1 variant allele, 1 heterozygote.
Comment: This missense variant replaces cysteine with serine at codon 882 of the BRCA1 protein. Computational prediction suggests that this variant may not impact protein structure and function (internally defined REVEL score threshold <= 0.5, PMID: 27666373). To our knowledge, functional studies have not been reported for this variant. This variant has not been reported in individuals affected with BRCA1-related disorders in the literature. This variant has not been identified in the general population by the Genome Aggregation Database (gnomAD). The available evidence is insufficient to determine the role of this variant in disease conclusively. Therefore, this variant is classified as a Variant of Uncertain Significance.

This study involves interpretation of variants in research participants for the purpose of population health screening. Participant phenotype was not available at the time of variant classification. Additional details can be found in publication PMID: 35346344, PMCID: PMC8962531

University of Washington Department of Laboratory Medicine, University of Washington
Classification: Likely benign for Hereditary cancer-predisposing syndrome. Last evaluated: 2023-03-23. Review status: criteria provided, single submitter. Criteria: Dines et al. (Genet Med. 2020). Collection method: curation. Allele origin: germline.
Comment: Missense variant in a coldspot region where missense variants are very unlikely to be pathogenic (PMID:31911673).

BRCA1 coldspot (exon 11 using historical exon numbering). Reclassification based on statistical prior probability

GeneDx
Classification: Uncertain significance. Last evaluated: 2021-11-11. Review status: criteria provided, single submitter. Criteria: GeneDx Variant Classification Process June 2021. Collection method: clinical testing. Allele origin: germline. Affected: yes.
Comment: Not observed at significant frequency in large population cohorts (Lek 2016); In silico analysis supports that this missense variant has a deleterious effect on protein structure/function; Has not been previously published as pathogenic or benign to our knowledge; Also known as 2763T>A; This variant is associated with the following publications: (PMID: 15343273)

Women's Health and Genetics/Laboratory Corporation of America, LabCorp
Classification: Uncertain significance. Last evaluated: 2019-07-01. Review status: criteria provided, single submitter. Criteria: LabCorp Variant Classification Summary - May 2015. Collection method: clinical testing. Allele origin: germline.
Comment: Variant summary: BRCA1 c.2644T>A (p.Cys882Ser) results in a non-conservative amino acid change in the encoded protein sequence. Four of five in-silico tools predict a benign effect of the variant on protein function. The variant was absent in 251134 control chromosomes (gnomAD). The available data on variant occurrences in the general population are insufficient to allow any conclusion about variant significance. To our knowledge, no occurrence of c.2644T>A in individuals affected with Hereditary Breast and Ovarian Cancer and no experimental evidence demonstrating its impact on protein function have been reported. One other submitter has provided clinical-significance assessments for this variant to ClinVar after 2014 without evidence for independent evaluation and classified the variant as uncertain significance. Based on the evidence outlined above, the variant was classified as uncertain significance.

Literature cited by the submitters: PubMed 31853058 (cited by Color Diagnostics, LLC DBA Color Health); PubMed 31911673 (cited by Quest Diagnostics Nichols Institute San Juan Capistrano).